The following is an entry in ClinVar:

ClinVar aggregate classification (germline): Uncertain significance (1 of 4 stars; one submission).

Allele frequency attached by ClinVar (database versions not stated): gnomAD exomes below 0.00001; ExAC 0.00002; 1000 Genomes Project 30x 0.00016; 1000 Genomes Project 0.00020.
gnomAD v4.1: 2 of 1,610,544 alleles (0.00012%); highest among the groups gnomAD compares: Admixed American, 0.0017%; no homozygotes.

Submission:

Labcorp Genetics (formerly Invitae), Labcorp
Classification: Uncertain significance. Last evaluated: 2021-12-06. Review status: criteria provided, single submitter. Criteria: Invitae Variant Classification Sherloc (09022015). Collection method: clinical testing. Allele origin: germline.
Comment: This sequence change replaces proline, which is neutral and non-polar, with serine, which is neutral and polar, at codon 742 of the PTPN23 protein (p.Pro742Ser). In summary, the available evidence is currently insufficient to determine the role of this variant in disease. Therefore, it has been classified as a Variant of Uncertain Significance. Algorithms developed to predict the effect of missense changes on protein structure and function are either unavailable or do not agree on the potential impact of this missense change (SIFT: "Tolerated"; PolyPhen-2: "Not Available"; Align-GVGD: "Class C0"). This variant has not been reported in the literature in individuals affected with PTPN23-related conditions. This variant is present in population databases (rs574435224, gnomAD 0.003%).

NM_015466.4(PTPN23):c.2224C>T (p.Pro742Ser)

Gene: PTPN23 (protein tyrosine phosphatase non-receptor type 23; plus strand). Cytogenetic location: 3p21.31.
Variant type: single nucleotide variant.
Coding change: c.2224C>T on transcript NM_015466.4 (MANE Select); coding-DNA position 2224, C replaced by T.
Protein change: p.Pro742Ser; replaces proline 742 with serine.
Molecular consequence: missense variant.
Genome position (GRCh38, 1-based): chr3:47,410,022, C>T. VCF-style: chr3-47410022-C-T. GRCh37 (hg19) VCF-style: chr3-47451512-C-T.
Other names: c.1846C>T, p.Pro616Ser (NM_001304482.2); short protein forms P616S, P742S.
Identifiers: ClinVar variation 2035580 (VCV002035580.4), dbSNP rs574435224, ClinGen allele CA2365980.